The following is an entry in ClinVar:

NM_002834.5(PTPN11):c.346C>A (p.His116Asn)

Gene: PTPN11 (protein tyrosine phosphatase non-receptor type 11; plus strand). Cytogenetic location: 12q24.13.
Variant type: single nucleotide variant.
Coding change: c.346C>A on transcript NM_002834.5 (MANE Select); coding-DNA position 346, C replaced by A.
Protein change: p.His116Asn; replaces histidine 116 with asparagine.
Molecular consequence: missense variant.
Genome position (GRCh38, 1-based): chr12:112,453,208, C>A. VCF-style: chr12-112453208-C-A. GRCh37 (hg19) VCF-style: chr12-112891012-C-A.
Other names: c.346C>A, p.His116Asn (NM_001330437.2, NM_080601.3); c.343C>A, p.His115Asn (NM_001374625.1); short protein forms H116N, H115N.
Identifiers: ClinVar variation 561620 (VCV000561620.2), dbSNP rs1053009990, ClinGen allele CA386780489.
Genomic context (GRCh38, chr12:112,453,208, plus strand): 5'-GAACCCATAGTAGAGCTAAATTCTTTTTTATTTTTTAAAAACTTTAGGTGGTTTCATGGA[C>A]ATCTCTCTGGGAAAGAAGCAGAGAAATTATTAACTGAAAAAGGAAAACATGGTAGTTTTC-3'
Protein context (NP_002825.3, residues 106-126): DPTSERWFHG[His116Asn]LSGKEAEKLL

ClinVar aggregate classification (germline): Uncertain significance (1 of 4 stars; one submission).

Submission:

GeneDx
Classification: Uncertain significance. Last evaluated: 2019-10-18. Review status: criteria provided, single submitter. Criteria: GeneDx Variant Classification Process June 2021. Collection method: clinical testing. Allele origin: germline. Affected: yes.
Comment: Not observed in large population cohorts (Lek et al., 2016); The majority of missense variants in this gene are considered pathogenic (Stenson et al., 2014); In silico analysis, which includes protein predictors and evolutionary conservation, supports a deleterious effect; Has not been previously published as pathogenic or benign to our knowledge